The following is an entry in ClinVar:

ClinVar aggregate classification (germline): Uncertain significance. Review status: criteria provided, multiple submitters, no conflicts (2 of 4 stars). 2 submissions from 2 submitters: Uncertain significance (2). Last evaluated 2025-07-08.

Conditions:
Hereditary cancer-predisposing syndrome. Also called: Tumor predisposition; Hereditary Cancer Syndrome; Hereditary neoplastic syndrome; Neoplastic Syndromes, Hereditary. Identifiers: Orphanet 140162, MedGen C0027672, MeSH D009386, MONDO:0015356.
Hereditary breast ovarian cancer syndrome. Also called: BRCA1- and BRCA2-Associated Hereditary Breast and Ovarian Cancer; Hereditary breast and ovarian cancer; Hereditary breast and ovarian cancer syndrome (HBOC); Hereditary breast and/or ovarian cancer syndrome; Hereditary breast and ovarian cancer syndrome; Breast and ovarian cancer. Identifiers: Orphanet 145, MedGen C0677776, MeSH D061325, MONDO:0003582. Disease mechanism: loss of function.

Submissions (2):

Ambry Genetics
Classification: Uncertain significance for Hereditary cancer-predisposing syndrome. Last evaluated: 2025-07-08. Review status: criteria provided, single submitter. Criteria: Ambry Variant Classification Scheme 2023. Collection method: clinical testing. Allele origin: germline.
Comment: The p.I3075K variant (also known as c.9224T>A), located in coding exon 23 of the BRCA2 gene, results from a T to A substitution at nucleotide position 9224. The isoleucine at codon 3075 is replaced by lysine, an amino acid with dissimilar properties. A saturation genome editing-based study using a haploid cell-survival assay demonstrates that this nucleotide substitution is non-functional (Huang H et al. Nature. 2025 Feb;638(8050):528-537).This amino acid position is not well conserved in available vertebrate species. In addition, this alteration is predicted to be deleterious by in silico analysis. Based on the available evidence, the clinical significance of this variant remains unclear.

Labcorp Genetics (formerly Invitae), Labcorp
Classification: Uncertain significance for Hereditary breast ovarian cancer syndrome. Last evaluated: 2022-05-12. Review status: criteria provided, single submitter. Criteria: Invitae Variant Classification Sherloc (09022015). Collection method: clinical testing. Allele origin: germline.
Comment: This sequence change replaces isoleucine, which is neutral and non-polar, with lysine, which is basic and polar, at codon 3075 of the BRCA2 protein (p.Ile3075Lys). In summary, the available evidence is currently insufficient to determine the role of this variant in disease. Therefore, it has been classified as a Variant of Uncertain Significance. Advanced modeling of protein sequence and biophysical properties (such as structural, functional, and spatial information, amino acid conservation, physicochemical variation, residue mobility, and thermodynamic stability) performed at Invitae indicates that this missense variant is not expected to disrupt BRCA2 protein function. This variant has not been reported in the literature in individuals affected with BRCA2-related conditions. This variant is not present in population databases (gnomAD no frequency).

Literature cited by the submitters: PubMed 39779857 (cited by Ambry Genetics).

NM_000059.4(BRCA2):c.9224T>A (p.Ile3075Lys)

Gene: BRCA2 (BRCA2 DNA repair associated; plus strand). Cytogenetic location: 13q13.1.
Variant type: single nucleotide variant.
Coding change: c.9224T>A on transcript NM_000059.4 (MANE Select); coding-DNA position 9224, T replaced by A.
Protein change: p.Ile3075Lys; replaces isoleucine 3075 with lysine.
Molecular consequence: missense variant.
Genome position (GRCh38, 1-based): chr13:32,380,113, T>A. VCF-style: chr13-32380113-T-A. GRCh37 (hg19) VCF-style: chr13-32954250-T-A.
Other names: c.9128T>A, p.Ile3043Lys (NM_001406719.1); c.9173T>A, p.Ile3058Lys (NM_001406720.1); c.4292T>A, p.Ile1431Lys (NM_001406721.1); c.2807T>A, p.Ile936Lys (NM_001406722.1); short protein forms I3043K, I1431K, I936K, I3058K, I3075K.
Identifiers: ClinVar variation 1993501 (VCV001993501.7), dbSNP rs2072914441, ClinGen allele CA387758482.